The following is an entry in ClinVar:

ClinVar aggregate classification (germline): Uncertain significance. Review status: criteria provided, multiple submitters, no conflicts (2 of 4 stars). 3 submissions from 3 submitters: Uncertain significance (3). Last evaluated 2026-06-26.

Conditions:
Inborn genetic diseases. Identifiers: MedGen C0950123, MeSH D030342.
Idiopathic generalized epilepsy. Also called: EIG; Generalised epilepsy. Identifiers: MedGen C0270850, MONDO:0005579, OMIM 600669.

Allele frequency attached by ClinVar (database versions not stated): ExAC 0.00001; gnomAD exomes 0.00001.
gnomAD v4.1: 14 of 1,606,846 alleles (0.00087%); highest among the groups gnomAD compares: Non-Finnish European, 0.0011%; no homozygotes.

Submissions (3):

Women's Health and Genetics/Laboratory Corporation of America, LabCorp
Classification: Uncertain significance. Last evaluated: 2026-06-26. Review status: criteria provided, single submitter. Criteria: LabCorp Variant Classification Summary - May 2015. Collection method: clinical testing. Allele origin: germline.
Comment: Variant summary: RBFOX1 c.790G>A (p.Ala264Thr) results in a non-conservative amino acid change in the encoded protein sequence. Algorithms developed to predict the effect of missense changes on protein structure and function are either unavailable or do not agree on the potential impact of this missense change. The variant allele was found at a frequency of 4.4e-06 in 229668 control chromosomes. The available data on variant occurrences in the general population are insufficient to allow any conclusion about variant significance. To our knowledge, no occurrence of c.790G>A in individuals affected with RBFOX1-related conditions and no experimental evidence demonstrating its impact on protein function have been reported. ClinVar contains an entry for this variant (Variation ID: 2197836). Based on the evidence outlined above, the variant was classified as uncertain significance.

Labcorp Genetics (formerly Invitae), Labcorp
Classification: Uncertain significance for Idiopathic generalized epilepsy. Last evaluated: 2024-12-06. Review status: criteria provided, single submitter. Criteria: Invitae Variant Classification Sherloc (09022015). Collection method: clinical testing. Allele origin: germline.
Comment: This sequence change replaces alanine, which is neutral and non-polar, with threonine, which is neutral and polar, at codon 284 of the RBFOX1 protein (p.Ala284Thr). The frequency data for this variant in the population databases is considered unreliable, as metrics indicate poor data quality at this position in the gnomAD database. This variant has not been reported in the literature in individuals affected with RBFOX1-related conditions. ClinVar contains an entry for this variant (Variation ID: 2197836). Invitae Evidence Modeling of protein sequence and biophysical properties (such as structural, functional, and spatial information, amino acid conservation, physicochemical variation, residue mobility, and thermodynamic stability) indicates that this missense variant is not expected to disrupt RBFOX1 protein function with a negative predictive value of 80%. In summary, the available evidence is currently insufficient to determine the role of this variant in disease. Therefore, it has been classified as a Variant of Uncertain Significance.

Ambry Genetics
Classification: Uncertain significance for Inborn genetic diseases. Last evaluated: 2023-05-18. Review status: criteria provided, single submitter. Criteria: Ambry Variant Classification Scheme 2023. Collection method: clinical testing. Allele origin: germline.

NM_018723.4(RBFOX1):c.790G>A (p.Ala264Thr)

Gene: RBFOX1 (RNA binding fox-1 homolog 1; plus strand). Cytogenetic location: 16p13.3.
Variant type: single nucleotide variant.
Coding change: c.790G>A on transcript NM_018723.4 (MANE Select); coding-DNA position 790, G replaced by A.
Protein change: p.Ala264Thr; replaces alanine 264 with threonine.
Molecular consequence: missense variant.
Genome position (GRCh38, 1-based): chr16:7,653,847, G>A. VCF-style: chr16-7653847-G-A. GRCh37 (hg19) VCF-style: chr16-7703849-G-A.
Other names: c.850G>A (NM_145891.2); c.709G>A, p.Ala237Thr (NM_001142333.2); c.790G>A, p.Ala264Thr (NM_001142334.2, NM_001364800.2); c.919G>A, p.Ala307Thr (NM_001308117.1, NM_001411047.1); c.850G>A, p.Ala284Thr (NM_145891.3, NM_145892.3, NM_145893.3); short protein forms A284T, A237T, A307T, A264T.
Identifiers: ClinVar variation 2197836 (VCV002197836.7), dbSNP rs770947838, ClinGen allele CA7891708.